The following is an entry in ClinVar:

NM_001278716.2(FBXL4):c.1592A>G (p.Gln531Arg)

Gene: FBXL4 (F-box and leucine rich repeat protein 4; minus strand). Cytogenetic location: 6q16.1.
Variant type: single nucleotide variant.
Coding change: c.1592A>G on transcript NM_001278716.2 (MANE Select); coding-DNA position 1592, A replaced by G.
Protein change: p.Gln531Arg; replaces glutamine 531 with arginine.
Molecular consequence: missense variant. On other transcripts: non-coding transcript variant (1).
Genome position (GRCh38, 1-based): chr6:98,875,525, T>C on the plus strand (A>G on the coding strand, the complement: FBXL4 is on the minus strand). VCF-style: chr6-98875525-T-C. GRCh37 (hg19) VCF-style: chr6-99323401-T-C.
Other names: c.1592A>G, p.Gln531Arg (NM_012160.5); short protein forms Q531R.
Identifiers: ClinVar variation 437776 (VCV000437776.1), dbSNP rs776893791, ClinGen allele CA3933417.

ClinVar aggregate classification (germline): Uncertain significance (1 of 4 stars; one submission).

Conditions:
Mitochondrial DNA depletion syndrome 13. Also called: FBXL4-Related Encephalomyopathic Mitochondrial DNA Depletion Syndrome; Mitochondrial DNA depletion syndrome 13 (encephalomyopathic type). Identifiers: Orphanet 369897, MedGen C3809592, MONDO:0014198, OMIM 615471.

Allele frequency attached by ClinVar (database versions not stated): gnomAD exomes below 0.00001 and 0.00001; ExAC 0.00002.
gnomAD v4.1: 2 of 1,614,200 alleles (0.00012%); highest among the groups gnomAD compares: Non-Finnish European, 0.00017%; no homozygotes.

Submission:

Wong Mito Lab, Molecular and Human Genetics, Baylor College of Medicine
Classification: Uncertain significance for Mitochondrial DNA depletion syndrome 13. Last evaluated: 2017-08-10. Review status: criteria provided, single submitter. Criteria: ACMG Guidelines, 2015. Collection method: reference population. Allele origin: germline.
Comment: The NM_012160.4:c.1592A>G (NP_036292.2:p.Gln531Arg) [GRCH38: NC_000006.12:g.98875525T>C] variant in FBXL4 gene is interpretated to be a Uncertain Significance - Conflicting Evidence based on ACMG guidelines (PMID: 25741868). This variant meets one or more of the following evidence codes reported in the ACMG-guideline. PM2:This variant is absent in key population databases. BP4:Computational evidence/predictors indicate no impact on the FBXL4 structure, function, or protein-protein interaction. Based on this evidence code ClinGen Pathogenicity Calculator (PMID:28081714) suggested that the variant is Uncertain Significance - Conflicting Evidence.